The following is an entry in ClinVar:

ClinVar aggregate classification (germline): Uncertain significance (1 of 4 stars; one submission).

Conditions:
Symmetrical dyschromatosis of extremities (DSH). Also called: DYSCHROMATOSIS SYMMETRICA HEREDITARIA 1; RETICULATE ACROPIGMENTATION OF DOHI; SYMMETRIC DYSCHROMATOSIS OF THE EXTREMITIES; Dyschromatosis symmetrica hereditaria. Identifiers: Orphanet 41, MedGen C0406775, MONDO:0007483, OMIM 127400.
Aicardi-Goutieres syndrome 6 (AGS6). Identifiers: Orphanet 51, MedGen C3539013, MONDO:0014007, OMIM 615010.

Submission:

Labcorp Genetics (formerly Invitae), Labcorp
Classification: Uncertain significance for Aicardi-Goutieres syndrome 6; Symmetrical dyschromatosis of extremities. Last evaluated: 2023-11-19. Review status: criteria provided, single submitter. Criteria: Invitae Variant Classification Sherloc (09022015). Collection method: clinical testing. Allele origin: germline.
Comment: This sequence change replaces lysine, which is basic and polar, with glutamic acid, which is acidic and polar, at codon 1003 of the ADAR protein (p.Lys1003Glu). This variant is not present in population databases (gnomAD no frequency). This variant has not been reported in the literature in individuals affected with ADAR-related conditions. Advanced modeling of protein sequence and biophysical properties (such as structural, functional, and spatial information, amino acid conservation, physicochemical variation, residue mobility, and thermodynamic stability) has been performed at Invitae for this missense variant, however the output from this modeling did not meet the statistical confidence thresholds required to predict the impact of this variant on ADAR protein function. In summary, the available evidence is currently insufficient to determine the role of this variant in disease. Therefore, it has been classified as a Variant of Uncertain Significance.

NM_001111.5(ADAR):c.3007A>G (p.Lys1003Glu)

Gene: ADAR (adenosine deaminase RNA specific; minus strand). Cytogenetic location: 1q21.3.
Variant type: single nucleotide variant.
Coding change: c.3007A>G on transcript NM_001111.5 (MANE Select); coding-DNA position 3007, A replaced by G.
Protein change: p.Lys1003Glu; replaces lysine 1003 with glutamic acid.
Molecular consequence: missense variant.
Genome position (GRCh38, 1-based): chr1:154,588,137, T>C on the plus strand (A>G on the coding strand, the complement: ADAR is on the minus strand). VCF-style: chr1-154588137-T-C. GRCh37 (hg19) VCF-style: chr1-154560613-T-C.
Other names: c.2122A>G, p.Lys708Glu (NM_001025107.3, NM_001193495.2, NM_001365046.1 and 2 more transcripts); c.3034A>G, p.Lys1012Glu (NM_001365045.1); c.2044A>G, p.Lys682Glu (NM_001365049.1); c.2929A>G, p.Lys977Glu (NM_015840.4); c.2872A>G, p.Lys958Glu (NM_015841.4); short protein forms K1003E, K1012E, K958E, K708E, K682E, K977E.
Identifiers: ClinVar variation 2944482 (VCV002944482.3), dbSNP rs1696885093, ClinGen allele CA342635946.
Genomic context (GRCh38, chr1:154,588,137, plus strand): 5'-CCTTGCAGAGCCTTTTGAGGAAAGGAGGCGGGGGCATGTATCACTCACCGTTCTCCACCT[T>C]GGTGCGGAGCTTTCCTTGTTTGGGATTCTCGAAGACAGGGTAGTGGCGGGATTCTGTGCT-3'
Protein context (NP_001102.3, residues 993-1013): ENPKQGKLRT[Lys1003Glu]VENGEGTIPV